The following is an entry in ClinVar:

ClinVar aggregate classification (germline): Uncertain significance (1 of 4 stars; one submission).

Submission:

GeneDx
Classification: Uncertain significance. Last evaluated: 2022-12-09. Review status: criteria provided, single submitter. Criteria: GeneDx Variant Classification Process June 2021. Collection method: clinical testing. Allele origin: germline. Affected: yes.
Comment: Not observed at significant frequency in large population cohorts (gnomAD); In silico analysis supports that this missense variant does not alter protein structure/function; Has not been previously published as pathogenic or benign to our knowledge

NM_018419.3(SOX18):c.536C>T (p.Pro179Leu)

Gene: SOX18 (SRY-box transcription factor 18; minus strand). Cytogenetic location: 20q13.33.
Variant type: single nucleotide variant.
Coding change: c.536C>T on transcript NM_018419.3 (MANE Select); coding-DNA position 536, C replaced by T.
Protein change: p.Pro179Leu; replaces proline 179 with leucine.
Molecular consequence: missense variant.
Genome position (GRCh38, 1-based): chr20:64,048,785, G>A on the plus strand (C>T on the coding strand, the complement: SOX18 is on the minus strand). VCF-style: chr20-64048785-G-A. GRCh37 (hg19) VCF-style: chr20-62680138-G-A.
Other names: short protein forms P179L.
Identifiers: ClinVar variation 2504729 (VCV002504729.1), dbSNP rs2517668133, ClinGen allele CA409753988.